The following is an entry in ClinVar:

ClinVar aggregate classification (germline): Uncertain significance. Review status: criteria provided, multiple submitters, no conflicts (2 of 4 stars). 2 submissions from 2 submitters: Uncertain significance (2). Last evaluated 2024-03-06.

Conditions:
Hereditary cancer-predisposing syndrome. Also called: Neoplastic Syndromes, Hereditary; Hereditary Cancer Syndrome; Tumor predisposition; Hereditary neoplastic syndrome. Identifiers: Orphanet 140162, MedGen C0027672, MeSH D009386, MONDO:0015356.

Submissions (2):

Color Diagnostics, LLC DBA Color Health
Classification: Uncertain significance for Hereditary cancer-predisposing syndrome. Last evaluated: 2024-03-06. Review status: criteria provided, single submitter. Criteria: ACMG Guidelines, 2015. Collection method: clinical testing. Allele origin: germline.
Comment: This missense variant replaces leucine with arginine at codon 1021 of the APC protein. Computational prediction suggests that this variant may have deleterious impact on protein structure and function (internally defined REVEL score threshold >= 0.7, PMID: 27666373). Splice site prediction tools suggest that this variant may not impact RNA splicing. To our knowledge, functional studies have not been performed for this variant. This variant has not been reported in individuals affected with hereditary cancer in the literature. This variant has not been identified in the general population by the Genome Aggregation Database (gnomAD). The available evidence is insufficient to determine the role of this variant in disease conclusively. Therefore, this variant is classified as a Variant of Uncertain Significance.

Ambry Genetics
Classification: Uncertain significance for Hereditary cancer-predisposing syndrome. Last evaluated: 2023-11-29. Review status: criteria provided, single submitter. Criteria: Ambry Variant Classification Scheme 2023. Collection method: clinical testing. Allele origin: germline.
Comment: The p.L1021R variant (also known as c.3062T>G), located in coding exon 15 of the APC gene, results from a T to G substitution at nucleotide position 3062. The leucine at codon 1021 is replaced by arginine, an amino acid with dissimilar properties. This amino acid position is conserved. In addition, in silico predictors for this gene do not accurately predict pathogenicity. Since supporting evidence is limited at this time, the clinical significance of this alteration remains unclear.

NM_000038.6(APC):c.3062T>G (p.Leu1021Arg)

Gene: APC (APC regulator of Wnt signaling pathway; plus strand). Cytogenetic location: 5q22.2.
Variant type: single nucleotide variant.
Coding change: c.3062T>G on transcript NM_000038.6 (MANE Select); coding-DNA position 3062, T replaced by G.
Protein change: p.Leu1021Arg; replaces leucine 1021 with arginine.
Molecular consequence: missense variant.
Genome position (GRCh38, 1-based): chr5:112,838,656, T>G. VCF-style: chr5-112838656-T-G. GRCh37 (hg19) VCF-style: chr5-112174353-T-G.
Other names: c.3008T>G, p.Leu1003Arg (NM_001127511.3); c.3062T>G, p.Leu1021Arg (NM_001354895.2, NM_001127510.3); c.3116T>G, p.Leu1039Arg (NM_001354896.2); c.3092T>G, p.Leu1031Arg (NM_001354897.2); c.2987T>G, p.Leu996Arg (NM_001354898.2); c.2978T>G, p.Leu993Arg (NM_001354899.2); c.2939T>G, p.Leu980Arg (NM_001354900.2); c.2885T>G, p.Leu962Arg (NM_001354901.2); and 5 more; short protein forms L1021R, L1031R, L920R, L962R, L861R, L895R, L1003R, L980R.
Identifiers: ClinVar variation 928425 (VCV000928425.5), dbSNP rs1765328284, ClinGen allele CA16028041.